The following is an entry in ClinVar:

ClinVar aggregate classification (germline): Uncertain significance. Review status: criteria provided, multiple submitters, no conflicts (2 of 4 stars). 2 submissions from 2 submitters: Uncertain significance (2). Last evaluated 2024-07-18.

Conditions:
Hereditary cancer-predisposing syndrome. Also called: Tumor predisposition; Hereditary neoplastic syndrome; Neoplastic Syndromes, Hereditary; Hereditary Cancer Syndrome. Identifiers: Orphanet 140162, MedGen C0027672, MeSH D009386, MONDO:0015356.
Familial cancer of breast. Also called: BREAST CANCER, FAMILIAL; Hereditary breast cancer; hereditary breast carcinoma. Identifiers: Orphanet 227535, MedGen C0346153, MONDO:0016419, OMIM 114480. Disease mechanism: loss of function.

Submissions (2):

Labcorp Genetics (formerly Invitae), Labcorp
Classification: Uncertain significance for Familial cancer of breast. Last evaluated: 2024-07-18. Review status: criteria provided, single submitter. Criteria: Invitae Variant Classification Sherloc (09022015). Collection method: clinical testing. Allele origin: germline.
Comment: This sequence change replaces glycine, which is neutral and non-polar, with cysteine, which is neutral and slightly polar, at codon 30 of the BARD1 protein (p.Gly30Cys). This variant is not present in population databases (gnomAD no frequency). This variant has not been reported in the literature in individuals affected with BARD1-related conditions. ClinVar contains an entry for this variant (Variation ID: 958014). An algorithm developed to predict the effect of missense changes on protein structure and function (PolyPhen-2) suggests that this variant is likely to be disruptive. In summary, the available evidence is currently insufficient to determine the role of this variant in disease. Therefore, it has been classified as a Variant of Uncertain Significance.

Ambry Genetics
Classification: Uncertain significance for Hereditary cancer-predisposing syndrome. Last evaluated: 2022-11-04. Review status: criteria provided, single submitter. Criteria: Ambry Variant Classification Scheme 2023. Collection method: clinical testing. Allele origin: germline.
Comment: The p.G30C variant (also known as c.88G>T), located in coding exon 1 of the BARD1 gene, results from a G to T substitution at nucleotide position 88. The glycine at codon 30 is replaced by cysteine, an amino acid with highly dissimilar properties. This amino acid position is conserved. In addition, this alteration is predicted to be tolerated by in silico analysis. Since supporting evidence is limited at this time, the clinical significance of this alteration remains unclear.

NM_000465.4(BARD1):c.88G>T (p.Gly30Cys)

Gene: BARD1 (BRCA1 associated RING domain 1; minus strand). Cytogenetic location: 2q35.
Variant type: single nucleotide variant.
Coding change: c.88G>T on transcript NM_000465.4 (MANE Select); coding-DNA position 88, G replaced by T.
Protein change: p.Gly30Cys; replaces glycine 30 with cysteine.
Molecular consequence: missense variant. On other transcripts: non-coding transcript variant (3).
Genome position (GRCh38, 1-based): chr2:214,809,482, C>A on the plus strand (G>T on the coding strand, the complement: BARD1 is on the minus strand). VCF-style: chr2-214809482-C-A. GRCh37 (hg19) VCF-style: chr2-215674206-C-A.
Other names: c.88G>T, p.Gly30Cys (NM_001282543.2, NM_001282545.2, NM_001282548.2 and 1 more transcripts); c.88G>T (NM_000465.2); short protein forms G30C.
Identifiers: ClinVar variation 958014 (VCV000958014.12), dbSNP rs1696463008, ClinGen allele CA350465092.